The following is an entry in ClinVar:

ClinVar aggregate classification (germline): Pathogenic (1 of 4 stars; one submission).

Submission:

GeneDx
Classification: Pathogenic. Last evaluated: 2023-07-18. Review status: criteria provided, single submitter. Criteria: GeneDx Variant Classification Process June 2021. Collection method: clinical testing. Allele origin: germline. Affected: yes.
Comment: Frameshift variant predicted to result in protein truncation or nonsense mediated decay in a gene for which loss of function is a known mechanism of disease; Not observed at significant frequency in large population cohorts (gnomAD); This variant is associated with the following publications: (PMID: 25074460)

NM_001042492.3(NF1):c.7960_7963del (p.Phe2654fs)

Gene: NF1 (neurofibromin 1; plus strand). Cytogenetic location: 17q11.2.
Variant type: Deletion.
Coding change: c.7960_7963del on transcript NM_001042492.3 (MANE Select); coding-DNA positions 7960 to 7963, 4 bases deleted (TTTC; older notation c.7960_7963delTTTC).
Protein change: p.Phe2654fs; shifts the reading frame from phenylalanine 2654.
Molecular consequence: frameshift variant.
Genome position (GRCh38, 1-based): chr17:31,357,359-31,357,362, TTTC deleted; deleting any 4 consecutive bases within chr17:31,357,357-31,357,362 gives the same sequence; the c. name uses the placement nearest the transcript's 3' end. VCF-style (leftmost placement, unchanged base first): chr17-31357356-GTCTT-G. GRCh37 (hg19) VCF-style: chr17-29684374-GTCTT-G.
Other names: c.7897_7900delTTTC, p.Phe2633Leufs (NM_000267.4); short protein forms F2633fs, F2654fs.
Identifiers: ClinVar variation 2573866 (VCV002573866.1), dbSNP rs2508830390, ClinGen allele CA2580612891.
Genomic context (GRCh38, chr17:31,357,356, plus strand): 5'-GAGTTTGATCAACGAATTCTTTATGAATACTTAGCAGAGGCCAGTGTTGTGTTTCCCAAA[GTCTT>G]TCCTGTTGTGTAAGTATCTCCTTTTGATTTTAATTCACCTTCGTGCCTGTCTTTAAGTTA-3'